The following is an entry in ClinVar:

ClinVar aggregate classification (germline): Benign/Likely benign. Review status: criteria provided, multiple submitters, no conflicts (2 of 4 stars). 4 submissions from 4 submitters: Benign (2); Likely benign (1). 1 of the submissions does not count toward it. Last evaluated 2021-05-10.

Conditions:
Caveolinopathy. Identifiers: Orphanet 207078, MedGen C5679790, MONDO:0016146.

Allele frequency attached by ClinVar (database versions not stated): 1000 Genomes Project 0.27157; 1000 Genomes Project 30x 0.27639; TOPMed 0.30529; gnomAD 0.30551 and 0.30735; gnomAD exomes 0.40625.
gnomAD v4.1: 46,382 of 152,020 alleles (31%); highest among the groups gnomAD compares: Admixed American, 39%; 7,548 homozygotes.

Submissions (4):

GeneDx
Classification: Benign. Last evaluated: 2021-05-10. Review status: criteria provided, single submitter. Criteria: GeneDx Variant Classification Process June 2021. Collection method: clinical testing. Allele origin: germline. Affected: yes.

Illumina Laboratory Services, Illumina
Classification: Benign for Caveolinopathy. Last evaluated: 2018-01-13. Review status: criteria provided, single submitter. Criteria: ICSL Variant Classification Criteria 13 December 2019. Collection method: clinical testing. Allele origin: germline.
Comment: This variant was observed in the ICSL laboratory as part of a predisposition screen in an ostensibly healthy population. It had not been previously curated by ICSL or reported in the Human Gene Mutation Database (HGMD: prior to June 1st, 2018), and was therefore a candidate for classification through an automated scoring system. Utilizing variant allele frequency, disease prevalence and penetrance estimates, and inheritance mode, an automated score was calculated to assess if this variant is too frequent to cause the disease. Based on the score and internal cut-off values, a variant classified as benign is not then subjected to further curation. The score for this variant resulted in a classification of benign for this disease.

Breakthrough Genomics
Classification: Likely benign. Review status: criteria provided, single submitter. Criteria: ACMG Guidelines, 2015. Collection method: not provided. Allele origin: germline. Inheritance: Autosomal recessive inheritance. Affected: yes.

Leiden Muscular Dystrophy (CAV3)
No classification provided. Last evaluated: 2012-04-15. Review status: no classification provided. Collection method: curation. Allele origin: germline. Not counted in ClinVar's aggregate classification.

NM_033337.3(CAV3):c.*783A>G

Genes: CAV3 (caveolin 3; plus strand), OXTR (oxytocin receptor; minus strand). Cytogenetic location: 3p25.3.
Variant type: single nucleotide variant.
Coding change: c.*783A>G on transcript NM_033337.3 (MANE Select); 783 bases downstream of the stop codon, A replaced by G.
Molecular consequence: 3 prime UTR variant.
Genome position (GRCh38, 1-based): chr3:8,746,650, A>G. VCF-style: chr3-8746650-A-G. GRCh37 (hg19) VCF-style: chr3-8788336-A-G.
Other names: c.*687A>G (NM_001234.5).
Identifiers: ClinVar variation 31720 (VCV000031720.10), dbSNP rs7629329, ClinGen allele CA215168.
Genomic context (GRCh38, chr3:8,746,650, plus strand): 5'-CCTGGGTTCAAGCCTCCCGGAACCTCCCCTTTGGCTAACCGAGCCCCTGAAATGCCCAGT[A>G]CTGCCATTTGACATGAGGGTACCTTCGCCCTCAGGAGATGTGACGAAGGAACAAGGTCTA-3'